The following is an entry in ClinVar:

ClinVar aggregate classification (germline): Uncertain significance (1 of 4 stars; one submission).

Submission:

CeGaT Center for Human Genetics Tuebingen
Classification: Uncertain significance. Last evaluated: 2024-10-01. Review status: criteria provided, single submitter. Criteria: CeGaT Center For Human Genetics Tuebingen Variant Classification Criteria Version 2. Collection method: clinical testing. Allele origin: germline. Affected: yes. Observed: 1 variant allele.
Comment: L1CAM: PM2, PM5

NM_001278116.2(L1CAM):c.3629A>G (p.Asp1210Gly)

Gene: L1CAM (L1 cell adhesion molecule; minus strand). Cytogenetic location: Xq28.
Variant type: single nucleotide variant.
Coding change: c.3629A>G on transcript NM_001278116.2 (MANE Select); coding-DNA position 3629, A replaced by G.
Protein change: p.Asp1210Gly; replaces aspartic acid 1210 with glycine.
Molecular consequence: missense variant.
Genome position (GRCh38, 1-based): chrX:153,862,808, T>C on the plus strand (A>G on the coding strand, the complement: L1CAM is on the minus strand). VCF-style: chrX-153862808-T-C. GRCh37 (hg19) VCF-style: chrX-153128263-T-C.
Other names: c.3629A>G, p.Asp1210Gly (NM_000425.5); c.3602A>G, p.Asp1201Gly (NM_001143963.2); c.3617A>G, p.Asp1206Gly (NM_024003.3); short protein forms D1201G, D1206G, D1210G.
Identifiers: ClinVar variation 3389840 (VCV003389840.14).